The following is an entry in ClinVar:

NM_001393504.1(MAST3):c.3725_3746del (p.Pro1242fs)

Gene: MAST3 (microtubule associated serine/threonine kinase 3; plus strand). Cytogenetic location: 19p13.11.
Variant type: Deletion.
Coding change: c.3725_3746del on transcript NM_001393504.1 (MANE Select); coding-DNA positions 3725 to 3746, 22 bases deleted (CCCTGCCCGGGCACCCGCCCGC).
Protein change: p.Pro1242fs; shifts the reading frame from proline 1242.
Molecular consequence: frameshift variant.
Genome position (GRCh38, 1-based): chr19:18,149,407-18,149,428, CCCTGCCCGGGCACCCGCCCGC deleted; deleting any 22 consecutive bases within chr19:18,149,404-18,149,428 gives the same sequence; the c. name uses the placement nearest the transcript's 3' end. VCF-style (leftmost placement, unchanged base first): chr19-18149403-TCGCCCCTGCCCGGGCACCCGCC-T. GRCh37 (hg19) VCF-style: chr19-18260213-TCGCCCCTGCCCGGGCACCCGCC-T.
Other names: c.3749_3770del, p.Pro1250fs (NM_001393501.1); c.3728_3749del, p.Pro1243fs (NM_001393502.1); c.3725_3746del, p.Pro1242fs (NM_001393503.1); c.3695_3716del, p.Pro1232fs (NM_001393505.1); c.3677_3698del, p.Pro1226fs (NM_001393506.1, NM_001393507.1); c.3659_3680del, p.Pro1220fs (NM_001393508.1); c.3656_3677del, p.Pro1219fs (NM_001393509.1, NM_001393510.1); c.3653_3674del, p.Pro1218fs (NM_001393511.1, NM_001393512.1); and 9 more; short protein forms P1195fs, P1203fs, P1204fs, P1209fs, P1210fs, P1211fs, P1212fs, P1213fs.
Identifiers: ClinVar variation 3342899 (VCV003342899.1).

ClinVar aggregate classification (germline): Uncertain significance (1 of 4 stars; one submission).

Submission:

GeneDx
Classification: Uncertain significance. Last evaluated: 2023-10-31. Review status: criteria provided, single submitter. Criteria: GeneDx Variant Classification Process June 2021. Collection method: clinical testing. Allele origin: germline. Affected: yes.
Comment: Not observed at significant frequency in large population cohorts (gnomAD); Frameshift variant predicted to result in protein truncation as the last 106 amino acids are replaced with 90 different amino acids, although loss-of-function variants have not been reported downstream of this position in the protein; Has not been previously published as pathogenic or benign to our knowledge